The following is an entry in ClinVar:

NM_004370.6(COL12A1):c.2664G>A (p.Ala888=)

Gene: COL12A1 (collagen type XII alpha 1 chain; minus strand). Cytogenetic location: 6q13.
Variant type: single nucleotide variant.
Coding change: c.2664G>A on transcript NM_004370.6 (MANE Select); coding-DNA position 2664, G replaced by A.
Protein change: p.Ala888=; no amino-acid change (alanine 888 retained).
Molecular consequence: synonymous variant. On other transcripts: intron variant (1).
Genome position (GRCh38, 1-based): chr6:75,175,084, C>T on the plus strand (G>A on the coding strand, the complement: COL12A1 is on the minus strand). VCF-style: chr6-75175084-C-T. GRCh37 (hg19) VCF-style: chr6-75884800-C-T.
Other names: c.74-22602G>A (NM_080645.3).
Identifiers: ClinVar variation 738335 (VCV000738335.33), dbSNP rs756052823, ClinGen allele CA3893915.
Genomic context (GRCh38, chr6:75,175,084, plus strand): 5'-ATGATGGTAATTACCTTCAAGTGTTGTTCCTTCACCAAAGAGGGCGTCTCCAGCCCCAGA[C>T]GCATACAAGGCTGTCACAGATAAGGCGTATTGTGTCCCTTCCTTCAATCCCTGCAGCACC-3'
Protein context (NP_004361.3, residues 878-898): QYALSVTALY[Ala888=]SGAGDALFGE

ClinVar aggregate classification (germline): Likely benign. Review status: criteria provided, multiple submitters, no conflicts (2 of 4 stars). 3 submissions from 3 submitters: Likely benign (3). Last evaluated 2026-06-09.

Conditions:
Ullrich congenital muscular dystrophy 2 (UCMD2). Identifiers: Orphanet 75840, MedGen C4225314, MONDO:0014654, OMIM 616470.
Bethlem myopathy 2 (BTHLM2). Identifiers: Orphanet 536516, Orphanet 610, MedGen C4225313, MONDO:0034022, OMIM 616471.

Allele frequency attached by ClinVar (database versions not stated): gnomAD 0.00001; ExAC 0.00003; gnomAD exomes 0.00003.
gnomAD v4.1: 24 of 1,614,054 alleles (0.0015%); highest among the groups gnomAD compares: South Asian, 0.012%; no homozygotes.

Submissions (3):

Women's Health and Genetics/Laboratory Corporation of America, LabCorp
Classification: Likely benign. Last evaluated: 2026-06-09. Review status: criteria provided, single submitter. Criteria: LabCorp Variant Classification Summary - May 2015. Collection method: clinical testing. Allele origin: germline.

Labcorp Genetics (formerly Invitae), Labcorp
Classification: Likely benign for Bethlem myopathy 2; Ullrich congenital muscular dystrophy 2. Last evaluated: 2024-12-10. Review status: criteria provided, single submitter. Criteria: Invitae Variant Classification Sherloc (09022015). Collection method: clinical testing. Allele origin: germline.

CeGaT Center for Human Genetics Tuebingen
Classification: Likely benign. Last evaluated: 2024-06-01. Review status: criteria provided, single submitter. Criteria: CeGaT Center For Human Genetics Tuebingen Variant Classification Criteria Version 2. Collection method: clinical testing. Allele origin: germline. Affected: yes. Observed: 2 variant alleles.
Comment: COL12A1: BP4, BP7